The following is an entry in ClinVar:

ClinVar aggregate classification (germline): Conflicting classifications of pathogenicity. Review status: criteria provided, conflicting classifications (1 of 4 stars). 2 submissions from 2 submitters: Uncertain significance (1); Benign (1). Last evaluated 2025-08-27.

Conditions:
Familial cold autoinflammatory syndrome 2 (FCAS2). Identifiers: Orphanet 247868, MedGen C2673198, MONDO:0012724, OMIM 611762.

Submissions (2):

Labcorp Genetics (formerly Invitae), Labcorp
Classification: Uncertain significance for Familial cold autoinflammatory syndrome 2. Last evaluated: 2025-08-27. Review status: criteria provided, single submitter. Criteria: Invitae Variant Classification Sherloc (09022015). Collection method: clinical testing. Allele origin: germline.
Comment: This sequence change replaces arginine, which is basic and polar, with proline, which is neutral and non-polar, at codon 1051 of the NLRP12 protein (p.Arg1051Pro). This variant is present in population databases (rs777108086, gnomAD 0.03%). This variant has not been reported in the literature in individuals affected with NLRP12-related conditions. ClinVar contains an entry for this variant (Variation ID: 329998). An algorithm developed to predict the effect of missense changes on protein structure and function (PolyPhen-2) suggests that this variant is likely to be disruptive. In summary, the available evidence is currently insufficient to determine the role of this variant in disease. Therefore, it has been classified as a Variant of Uncertain Significance.

Illumina Laboratory Services, Illumina
Classification: Benign for Familial cold autoinflammatory syndrome 2. Last evaluated: 2018-01-12. Review status: criteria provided, single submitter. Criteria: ICSL Variant Classification Criteria 13 December 2019. Collection method: clinical testing. Allele origin: germline.
Comment: This variant was observed in the ICSL laboratory as part of a predisposition screen in an ostensibly healthy population. It had not been previously curated by ICSL or reported in the Human Gene Mutation Database (HGMD: prior to June 1st, 2018), and was therefore a candidate for classification through an automated scoring system. Utilizing variant allele frequency, disease prevalence and penetrance estimates, and inheritance mode, an automated score was calculated to assess if this variant is too frequent to cause the disease. Based on the score and internal cut-off values, a variant classified as benign is not then subjected to further curation. The score for this variant resulted in a classification of benign for this disease.

NM_144687.4(NLRP12):c.3152G>C (p.Arg1051Pro)

Gene: NLRP12 (NLR family pyrin domain containing 12; minus strand). Cytogenetic location: 19q13.42.
Variant type: single nucleotide variant.
Coding change: c.3152G>C on transcript NM_144687.4 (MANE Select); coding-DNA position 3152, G replaced by C.
Protein change: p.Arg1051Pro; replaces arginine 1051 with proline.
Molecular consequence: missense variant.
Genome position (GRCh38, 1-based): chr19:53,794,083, C>G on the plus strand (G>C on the coding strand, the complement: NLRP12 is on the minus strand). VCF-style: chr19-53794083-C-G. GRCh37 (hg19) VCF-style: chr19-54297337-C-G.
Other names: c.3155G>C, p.Arg1052Pro (NM_001277126.2); c.2981G>C, p.Arg994Pro (NM_001277129.1); short protein forms R1051P, R1052P, R994P.
Identifiers: ClinVar variation 329998 (VCV000329998.14), dbSNP rs777108086, ClinGen allele CA9638746.
Genomic context (GRCh38, chr19:53,794,083, plus strand): 5'-AGGGGAGAGCCAGCAGATAGGACCATTCAGCAGCCAATGTCCAAATAAGGTTTTGTTACT[C>G]GAAGCGCTGCCAACCTACTGTGGGTCATTTTATTCAGGTCCATCCCAAATAACCTGTGGA-3'
Protein context (NP_653288.1, residues 1041-1061): KMTHSRLAAL[Arg1051Pro]VTKPYLDIGC